The following is an entry in ClinVar:

NM_000548.5(TSC2):c.1867G>A (p.Ala623Thr)

Gene: TSC2 (TSC complex subunit 2; plus strand). Cytogenetic location: 16p13.3.
Variant type: single nucleotide variant.
Coding change: c.1867G>A on transcript NM_000548.5 (MANE Select); coding-DNA position 1867, G replaced by A.
Protein change: p.Ala623Thr; replaces alanine 623 with threonine.
Molecular consequence: missense variant. On other transcripts: non-coding transcript variant (5).
Genome position (GRCh38, 1-based): chr16:2,071,537, G>A. VCF-style: chr16-2071537-G-A. GRCh37 (hg19) VCF-style: chr16-2121538-G-A.
Other names: c.1867G>A, p.Ala623Thr (NM_001077183.3, NM_001114382.3, NM_001363528.2 and 6 more transcripts); c.1756G>A, p.Ala586Thr (NM_001318827.2, NM_001406670.1, NM_001406678.1); c.1720G>A, p.Ala574Thr (NM_001318829.2, NM_001406675.1, NM_001406676.1 and 1 more transcripts); c.1267G>A, p.Ala423Thr (NM_001318831.2, NM_001406680.1, NM_001406682.1 and 6 more transcripts); c.1900G>A, p.Ala634Thr (NM_001318832.2); c.1957G>A, p.Ala653Thr (NM_001406667.1, NM_001406668.1); c.1855G>A, p.Ala619Thr (NM_001406671.1, NM_001406673.1); c.1810G>A, p.Ala604Thr (NM_001406677.1); and 4 more; short protein forms A175T, A423T, A574T, A623T, A634T, A469T, A604T, A586T.
Identifiers: ClinVar variation 2449960 (VCV002449960.5), dbSNP rs1596342269, ClinGen allele CA394273079.

ClinVar aggregate classification (germline): Uncertain significance. Review status: criteria provided, multiple submitters, no conflicts (2 of 4 stars). 3 submissions from 3 submitters: Uncertain significance (3). Last evaluated 2026-06-18.

Conditions:
Hereditary cancer-predisposing syndrome. Also called: Hereditary Cancer Syndrome; Hereditary neoplastic syndrome; Neoplastic Syndromes, Hereditary; Tumor predisposition. Identifiers: Orphanet 140162, MedGen C0027672, MeSH D009386, MONDO:0015356.
TSC2-related disorder. Also called: TSC2-related condition; TSC2-Related Disorders.
Isolated focal cortical dysplasia type II (FCORD2). Also called: Focal cortical dysplasia type II; CORTICAL DYSPLASIA OF TAYLOR. Identifiers: Orphanet 268994, MedGen C1846385, MONDO:0011818, OMIM 607341, HP:0032051.

Allele frequency attached by ClinVar (database versions not stated): TOPMed below 0.00001.

Submissions (3):

Ambry Genetics
Classification: Uncertain significance for Hereditary cancer-predisposing syndrome. Last evaluated: 2026-06-18. Review status: criteria provided, single submitter. Criteria: Ambry Variant Classification Scheme 2023. Collection method: clinical testing. Allele origin: germline.
Comment: The p.A623T variant (also known as c.1867G>A), located in coding exon 17 of the TSC2 gene, results from a G to A substitution at nucleotide position 1867. The alanine at codon 623 is replaced by threonine, an amino acid with similar properties. This amino acid position is conserved. In addition, this alteration is predicted to be deleterious by in silico analysis. Based on the available evidence, the clinical significance of this variant remains unclear.

PreventionGenetics, part of Exact Sciences
Classification: Uncertain significance for TSC2-related condition. Last evaluated: 2025-04-11. Review status: criteria provided, single submitter. Criteria: ACMG Guidelines, 2015. Collection method: clinical testing. Allele origin: germline.
Comment: The TSC2 c.1867G>A variant is predicted to result in the amino acid substitution p.Ala623Thr. To our knowledge, this variant has not been reported in the literature or in a large population database (gnomAD), indicating this variant is rare. This variant is classified as a variant of uncertain significance in ClinVar. At this time, the clinical significance of this variant is uncertain due to the absence of conclusive functional and genetic evidence.

Baylor Genetics
Classification: Uncertain significance for Isolated focal cortical dysplasia type II. Last evaluated: 2023-09-04. Review status: criteria provided, single submitter. Criteria: ACMG Guidelines, 2015. Collection method: clinical testing. Allele origin: unknown.